The following is an entry in ClinVar:

ClinVar aggregate classification (germline): Uncertain significance (1 of 4 stars; one submission).

Allele frequency attached by ClinVar (database versions not stated): gnomAD exomes below 0.00001 and 0.00002; gnomAD 0.00001; TOPMed 0.00001; ExAC 0.00002.
gnomAD v4.1: 7 of 1,613,678 alleles (0.00043%); highest among the groups gnomAD compares: Admixed American, 0.0017%; no homozygotes.

Submission:

Labcorp Genetics (formerly Invitae), Labcorp
Classification: Uncertain significance. Last evaluated: 2021-02-17. Review status: criteria provided, single submitter. Criteria: Invitae Variant Classification Sherloc (09022015). Collection method: clinical testing. Allele origin: germline.
Comment: In summary, the available evidence is currently insufficient to determine the role of this variant in disease. Therefore, it has been classified as a Variant of Uncertain Significance. Algorithms developed to predict the effect of missense changes on protein structure and function are either unavailable or do not agree on the potential impact of this missense change (SIFT: "Deleterious"; PolyPhen-2: "Probably Damaging"; Align-GVGD: "Class C0"). This variant has not been reported in the literature in individuals with C6-related conditions. This variant is present in population databases (rs773270656, ExAC 0.004%). This sequence change replaces cysteine with arginine at codon 127 of the C6 protein (p.Cys127Arg). The cysteine residue is highly conserved and there is a large physicochemical difference between cysteine and arginine.

NM_000065.5(C6):c.379T>C (p.Cys127Arg)

Gene: C6 (complement C6; minus strand). Cytogenetic location: 5p13.1.
Variant type: single nucleotide variant.
Coding change: c.379T>C on transcript NM_000065.5 (MANE Select); coding-DNA position 379, T replaced by C.
Protein change: p.Cys127Arg; replaces cysteine 127 with arginine.
Molecular consequence: missense variant.
Genome position (GRCh38, 1-based): chr5:41,199,834, A>G on the plus strand (T>C on the coding strand, the complement: C6 is on the minus strand). VCF-style: chr5-41199834-A-G. GRCh37 (hg19) VCF-style: chr5-41199936-A-G.
Other names: c.379T>C, p.Cys127Arg (NM_001115131.4); short protein forms C127R.
Identifiers: ClinVar variation 1413979 (VCV001413979.8), dbSNP rs773270656, ClinGen allele CA3252814.